The following is an entry in ClinVar:

ClinVar aggregate classification (germline): Conflicting classifications of pathogenicity. Review status: criteria provided, conflicting classifications (1 of 4 stars). 3 submissions from 3 submitters: Pathogenic (1); Likely pathogenic (1); Uncertain significance (1). Last evaluated 2025-02-07.

Conditions:
MYPN-related myopathy (CMYO24). Also called: Nemaline myopathy 11, autosomal recessive. Identifiers: MedGen C4479186, MONDO:0015023, OMIM 617336.
Dilated cardiomyopathy 1KK (CMD1KK). Identifiers: Orphanet 154, Orphanet 75249, MedGen C3714995, MONDO:0014100, OMIM 615248.
Cardiovascular phenotype. Identifiers: MedGen CN230736.

Allele frequency attached by ClinVar (database versions not stated): ExAC 0.00001; TOPMed 0.00002.
gnomAD v4.1: 9 of 1,614,180 alleles (0.00056%); highest among the groups gnomAD compares: Admixed American, 0.0033%; no homozygotes.

Submissions (3):

Labcorp Genetics (formerly Invitae), Labcorp
Classification: Pathogenic for Dilated cardiomyopathy 1KK. Last evaluated: 2025-02-07. Review status: criteria provided, single submitter. Criteria: Invitae Variant Classification Sherloc (09022015). Collection method: clinical testing. Allele origin: germline.
Comment: This sequence change creates a premature translational stop signal (p.Arg99*) in the MYPN gene. It is expected to result in an absent or disrupted protein product. Loss-of-function variants in MYPN are known to be pathogenic (PMID: 28017374). This variant is present in population databases (rs756823228, gnomAD 0.006%). This variant has not been reported in the literature in individuals affected with MYPN-related conditions. ClinVar contains an entry for this variant (Variation ID: 851819). For these reasons, this variant has been classified as Pathogenic.

Fulgent Genetics
Classification: Likely pathogenic for Dilated cardiomyopathy 1KK; MYPN-related myopathy. Last evaluated: 2021-09-18. Review status: criteria provided, single submitter. Criteria: ACMG Guidelines, 2015. Collection method: clinical testing. Allele origin: unknown.

Ambry Genetics
Classification: Uncertain significance for Cardiovascular phenotype. Last evaluated: 2018-04-05. Review status: criteria provided, single submitter. Criteria: Ambry Variant Classification Scheme 2023. Collection method: clinical testing. Allele origin: germline.
Comment: The p.R99* variant (also known as c.295C>T), located in coding exon 1 of the MYPN gene, results from a C to T substitution at nucleotide position 295. This changes the amino acid from an arginine to a stop codon within coding exon 1. This alteration is expected to result in loss of function by premature protein truncation or nonsense-mediated mRNA decay. While biallelic loss of function alterations in MYPN have been reported in association with autosomal recessive skeletal myopathy, heterozygous loss of function of MYPN has not been clearly established as a mechanism of disease for cardiomyopathy. Since supporting evidence is limited at this time, the clinical significance of this alteration remains unclear.

Literature cited by the submitters: PubMed 28017374 (cited by Labcorp Genetics (formerly Invitae), Labcorp).

NM_032578.4(MYPN):c.295C>T (p.Arg99Ter)

Gene: MYPN (myopalladin; plus strand). Cytogenetic location: 10q21.3.
Variant type: single nucleotide variant.
Coding change: c.295C>T on transcript NM_032578.4 (MANE Select); coding-DNA position 295, C replaced by T.
Protein change: p.Arg99Ter; replaces arginine 99 with a stop codon.
Molecular consequence: nonsense. On other transcripts: 5 prime UTR variant (1), non-coding transcript variant (1).
Genome position (GRCh38, 1-based): chr10:68,121,733, C>T. VCF-style: chr10-68121733-C-T. GRCh37 (hg19) VCF-style: chr10-69881490-C-T.
Other names: c.295C>T, p.Arg99Ter (NM_001256267.2); c.-828C>T (NM_001256268.2); short protein forms R99*.
Identifiers: ClinVar variation 851819 (VCV000851819.11), dbSNP rs756823228, ClinGen allele CA5522253.